The following is an entry in ClinVar:

NM_000088.4(COL1A1):c.2917C>T (p.Pro973Ser)

Gene: COL1A1 (collagen type I alpha 1 chain; minus strand). Cytogenetic location: 17q21.33.
Variant type: single nucleotide variant.
Coding change: c.2917C>T on transcript NM_000088.4 (MANE Select); coding-DNA position 2917, C replaced by T.
Protein change: p.Pro973Ser; replaces proline 973 with serine.
Molecular consequence: missense variant.
Genome position (GRCh38, 1-based): chr17:50,189,188, G>A on the plus strand (C>T on the coding strand, the complement: COL1A1 is on the minus strand). VCF-style: chr17-50189188-G-A. GRCh37 (hg19) VCF-style: chr17-48266549-G-A.
Other names: short protein forms P973S.
Identifiers: ClinVar variation 2721926 (VCV002721926.3), dbSNP rs775115701, ClinGen allele CA8644645.

ClinVar aggregate classification (germline): Uncertain significance (1 of 4 stars; one submission).

Conditions:
Osteogenesis imperfecta type I (OI1). Also called: Lobstein's Disease; Classic Non-deforming Osteogenesis Imperfecta with Blue Sclerae; Lobstein disease; OI, TYPE I; OSTEOGENESIS IMPERFECTA TARDA; OSTEOGENESIS IMPERFECTA WITH BLUE SCLERAE. Identifiers: Orphanet 216796, Orphanet 666, MedGen C0023931, MONDO:0008146, OMIM 166200. Disease mechanism: loss of function.

Allele frequency attached by ClinVar (database versions not stated): ExAC 0.00001; gnomAD 0.00001; gnomAD exomes 0.00001; TOPMed 0.00001.
gnomAD v4.1: 10 of 1,613,128 alleles (0.00062%); highest among the groups gnomAD compares: African/African-American, 0.0027%; no homozygotes.

Submission:

Labcorp Genetics (formerly Invitae), Labcorp
Classification: Uncertain significance for Osteogenesis imperfecta type I. Last evaluated: 2025-11-12. Review status: criteria provided, single submitter. Criteria: Invitae Variant Classification Sherloc (09022015). Collection method: clinical testing. Allele origin: germline.
Comment: This sequence change replaces proline, which is neutral and non-polar, with serine, which is neutral and polar, at codon 973 of the COL1A1 protein (p.Pro973Ser). This variant is present in population databases (rs775115701, gnomAD 0.0009%). This variant has not been reported in the literature in individuals affected with COL1A1-related conditions. ClinVar contains an entry for this variant (Variation ID: 2721926). Invitae Evidence Modeling of protein sequence and biophysical properties (such as structural, functional, and spatial information, amino acid conservation, physicochemical variation, residue mobility, and thermodynamic stability) has been performed for this missense variant. However, the output from this modeling did not meet the statistical confidence thresholds required to predict the impact of this variant on COL1A1 protein function. In summary, the available evidence is currently insufficient to determine the role of this variant in disease. Therefore, it has been classified as a Variant of Uncertain Significance.